The following is an entry in ClinVar:

NM_002335.4(LRP5):c.3901G>A (p.Ala1301Thr)

Gene: LRP5 (LDL receptor related protein 5; plus strand). Cytogenetic location: 11q13.2.
Variant type: single nucleotide variant.
Coding change: c.3901G>A on transcript NM_002335.4 (MANE Select); coding-DNA position 3901, G replaced by A.
Protein change: p.Ala1301Thr; replaces alanine 1301 with threonine.
Molecular consequence: missense variant.
Genome position (GRCh38, 1-based): chr11:68,433,739, G>A. VCF-style: chr11-68433739-G-A. GRCh37 (hg19) VCF-style: chr11-68201207-G-A.
Other names: c.2158G>A, p.Ala720Thr (NM_001291902.2); short protein forms A720T, A1301T.
Identifiers: ClinVar variation 850313 (VCV000850313.15), dbSNP rs149166384, ClinGen allele CA6150147.
Genomic context (GRCh38, chr11:68,433,739, plus strand): 5'-GACGGCTTTCCCGAGTGCGATGACCAGAGCGACGAGGAGGGCTGCCCCGTGTGCTCCGCC[G>A]CCCAGTTCCCCTGCGCGCGGGGTCAGTGTGTGGACCTGCGCCTGCGCTGCGACGGCGAGG-3'
Protein context (NP_002326.2, residues 1291-1311): DEEGCPVCSA[Ala1301Thr]QFPCARGQCV

ClinVar aggregate classification (germline): Conflicting classifications of pathogenicity. Review status: criteria provided, conflicting classifications (1 of 4 stars). 5 submissions from 5 submitters: Uncertain significance (2); Benign (1); Likely benign (1). 1 of the submissions does not count toward it. Last evaluated 2025-12-19.

Conditions:
Exudative vitreoretinopathy 4 (EVR4). Identifiers: Orphanet 891, MedGen C1866176, MONDO:0011151, OMIM 601813.
Exudative vitreoretinopathy 1 (EVR1). Also called: FEVR, AUTOSOMAL DOMINANT; Familial exudative vitreoretinopathy, autosomal dominant; CRISWICK-SCHEPENS SYNDROME. Identifiers: Orphanet 891, Orphanet 90050, MedGen C1851402, MONDO:0007589, OMIM 133780.
Bone mineral density quantitative trait locus 1 (BMND1). Identifiers: MedGen C1866079, OMIM 601884.
Worth disease. Also called: Autosomal dominant osteosclerosis, Worth type; ENDOSTEAL HYPEROSTOSIS, AUTOSOMAL DOMINANT; OSTEOSCLEROSIS, AUTOSOMAL DOMINANT. Identifiers: Orphanet 2790, MedGen C0432273, MONDO:0007764, OMIM 144750.
Osteoporosis with pseudoglioma (OPPG). Also called: osteoporosis-pseudoglioma syndrome. Identifiers: Orphanet 2788, MedGen C0432252, MONDO:0009820, OMIM 259770.
Autosomal dominant osteopetrosis 1 (OPTA1). Also called: OSTEOPETROSIS, AUTOSOMAL DOMINANT, TYPE I. Identifiers: Orphanet 2783, MedGen C1843330, MONDO:0011877, OMIM 607634.
Osteoporosis. Identifiers: MedGen C0029456, MONDO:0005298, OMIM 166710, HP:0000939.
Polycystic liver disease 4 with or without kidney cysts. Identifiers: MedGen C4693479, MONDO:0044327, OMIM 617875.
LRP5-related disorder. Also called: LRP5-related condition.

Allele frequency attached by ClinVar (database versions not stated): ESP Exome Variant Server 0.00008; gnomAD 0.00008 and 0.00013; gnomAD exomes 0.00008 and 0.00025; TOPMed 0.00017; ExAC 0.00019; 1000 Genomes Project 30x 0.00078; 1000 Genomes Project 0.00120.
gnomAD v4.1: 176 of 1,612,722 alleles (0.011%); highest among the groups gnomAD compares: East Asian, 0.18%; no homozygotes.

Submissions (5):

Labcorp Genetics (formerly Invitae), Labcorp
Classification: Benign. Last evaluated: 2025-12-19. Review status: criteria provided, single submitter. Criteria: Invitae Variant Classification Sherloc (09022015). Collection method: clinical testing. Allele origin: germline.

Blueprint Genetics
Classification: Uncertain significance. Last evaluated: 2024-11-04. Review status: criteria provided, single submitter. Criteria: ACMG Guidelines, 2015. Collection method: clinical testing. Allele origin: germline.

GeneDx
Classification: Uncertain significance. Last evaluated: 2022-05-25. Review status: criteria provided, single submitter. Criteria: GeneDx Variant Classification Process June 2021. Collection method: clinical testing. Allele origin: germline. Affected: yes.
Comment: Reported in a patient with retinopathy in the published literature (Bai et al., 2021); clinical information is limited; In silico analysis supports that this missense variant does not alter protein structure/function; This variant is associated with the following publications: (PMID: Zhu2020[preprint], 33781268)

Fulgent Genetics
Classification: Likely benign for Exudative vitreoretinopathy 1; Worth disease; Osteoporosis; Osteoporosis with pseudoglioma; Exudative vitreoretinopathy 4; Bone mineral density quantitative trait locus 1; Autosomal dominant osteopetrosis 1; Polycystic liver disease 4 with or without kidney cysts. Last evaluated: 2022-02-16. Review status: criteria provided, single submitter. Criteria: ACMG Guidelines, 2015. Collection method: clinical testing. Allele origin: unknown.

PreventionGenetics, part of Exact Sciences
Classification: Likely benign for LRP5-related condition. Last evaluated: 2024-08-15. Review status: no assertion criteria provided. Collection method: clinical testing. Allele origin: germline. Not counted in ClinVar's aggregate classification.
Comment: This variant is classified as likely benign based on ACMG/AMP sequence variant interpretation guidelines (Richards et al. 2015 PMID: 25741868, with internal and published modifications).